The following is an entry in ClinVar:

ClinVar aggregate classification (germline): Uncertain significance (1 of 4 stars; one submission).

Allele frequency attached by ClinVar (database versions not stated): gnomAD exomes 0.00001; TOPMed 0.00002; gnomAD 0.00003.
gnomAD v4.1: 22 of 1,580,158 alleles (0.0014%); highest among the groups gnomAD compares: Non-Finnish European, 0.0018%; no homozygotes.

Submission:

Labcorp Genetics (formerly Invitae), Labcorp
Classification: Uncertain significance. Last evaluated: 2023-10-05. Review status: criteria provided, single submitter. Criteria: Invitae Variant Classification Sherloc (09022015). Collection method: clinical testing. Allele origin: germline.
Comment: This sequence change falls in intron 7 of the ERBIN gene. It does not directly change the encoded amino acid sequence of the ERBIN protein. This variant is present in population databases (no rsID available, gnomAD 0.004%). This variant has not been reported in the literature in individuals affected with ERBIN-related conditions. Algorithms developed to predict the effect of sequence changes on RNA splicing suggest that this variant may create or strengthen a splice site. In summary, the available evidence is currently insufficient to determine the role of this variant in disease. Therefore, it has been classified as a Variant of Uncertain Significance.

NM_001253697.2(ERBIN):c.534-4A>G

Gene: ERBIN (erbb2 interacting protein; plus strand). Cytogenetic location: 5q12.3.
Variant type: single nucleotide variant.
Coding change: c.534-4A>G on transcript NM_001253697.2 (MANE Select); 4 bases into the intron before coding-DNA position 534, A replaced by G.
Molecular consequence: intron variant.
Genome position (GRCh38, 1-based): chr5:66,021,318, A>G. VCF-style: chr5-66021318-A-G. GRCh37 (hg19) VCF-style: chr5-65317146-A-G.
Other names: c.534-4A>G (NM_001253699.2, NM_018695.4, NM_001253698.2 and 2 more transcripts).
Identifiers: ClinVar variation 2968633 (VCV002968633.3), dbSNP rs1280011001, ClinGen allele CA560151713.